The following is an entry in ClinVar:

NM_005475.3(SH2B3):c.1559C>T (p.Ser520Leu)

Gene: SH2B3 (SH2B adaptor protein 3; plus strand). Cytogenetic location: 12q24.12.
Variant type: single nucleotide variant.
Coding change: c.1559C>T on transcript NM_005475.3 (MANE Select); coding-DNA position 1559, C replaced by T.
Protein change: p.Ser520Leu; replaces serine 520 with leucine.
Molecular consequence: missense variant.
Genome position (GRCh38, 1-based): chr12:111,448,133, C>T. VCF-style: chr12-111448133-C-T. GRCh37 (hg19) VCF-style: chr12-111885937-C-T.
Other names: c.953C>T, p.Ser318Leu (NM_001291424.1); short protein forms S520L, S318L.
Identifiers: ClinVar variation 4842833 (VCV004842833.1).

ClinVar aggregate classification (germline): Uncertain significance (1 of 4 stars; one submission).

Conditions:
Inborn genetic diseases. Identifiers: MedGen C0950123, MeSH D030342.

gnomAD v4.1: 1 of 1,614,156 alleles (0.000062%); no homozygotes.

Submission:

Ambry Genetics
Classification: Uncertain significance for Inborn genetic diseases. Last evaluated: 2026-01-14. Review status: criteria provided, single submitter. Criteria: Ambry Variant Classification Scheme 2023. Collection method: clinical testing. Allele origin: germline.
Comment: The p.S520L variant (also known as c.1559C>T), located in coding exon 7 of the SH2B3 gene, results from a C to T substitution at nucleotide position 1559. The serine at codon 520 is replaced by leucine, an amino acid with dissimilar properties. This amino acid position is conserved. In addition, this alteration is predicted to be tolerated by in silico analysis. Based on the available evidence, the clinical significance of this variant remains unclear.